The following is an entry in ClinVar:

NM_002354.3(EPCAM):c.492-2A>G

Gene: EPCAM (epithelial cell adhesion molecule; plus strand). Cytogenetic location: 2p21.
Variant type: single nucleotide variant.
Coding change: c.492-2A>G on transcript NM_002354.3 (MANE Select); the canonical splice acceptor site of the intron before coding-DNA position 492, A replaced by G.
Molecular consequence: splice acceptor variant.
Genome position (GRCh38, 1-based): chr2:47,377,012, A>G. VCF-style: chr2-47377012-A-G. GRCh37 (hg19) VCF-style: chr2-47604151-A-G.
Other names: IVS4AS, A-G, -2.
Identifiers: ClinVar variation 157604 (VCV000157604.4), dbSNP rs606231281, ClinGen allele CA171017.

ClinVar aggregate classification (germline): Pathogenic. Review status: criteria provided, multiple submitters, no conflicts (2 of 4 stars). 4 submissions from 4 submitters: Pathogenic (3). 1 of the submissions does not count toward it. Last evaluated 2024-07-05.

Conditions:
EPCAM-related disorders.
Congenital diarrhea 5 with tufting enteropathy. Also called: INTESTINAL EPITHELIAL CELL DYSPLASIA; Congenital tufting enteropathy. Identifiers: Orphanet 92050, MedGen C2750737, MONDO:0013184, OMIM 613217.

Allele frequency attached by ClinVar (database versions not stated): gnomAD exomes below 0.00001.

Submissions (4):

Aleixo Muise Laboratory, Hospital For Sick Children
Classification: Pathogenic for Congenital diarrhea 5 with tufting enteropathy. Last evaluated: 2024-07-05. Review status: criteria provided, single submitter. Criteria: ACMG Guidelines, 2015. Collection method: research. Allele origin: inherited. Affected: yes. Observed: 2 variant alleles.
Comment: PS1;PM2;PM3;PP1;PP3;PP4

Blueprint Genetics
Classification: Pathogenic for EPCAM-related disorders. Last evaluated: 2021-09-13. Review status: criteria provided, single submitter. Criteria: ACMG Guidelines, 2015. Collection method: clinical testing. Allele origin: germline. Affected: yes. Observed: 1 variant allele.

GeneDx
Classification: Pathogenic. Last evaluated: 2017-09-11. Review status: criteria provided, single submitter. Criteria: GeneDx Variant Classification (06012015). Collection method: clinical testing. Allele origin: germline. Affected: yes.
Comment: The c.492-2A>G splice site variant in the EPCAM gene has been previously reported in the homozygous and compound heterozygous states in multiple individuals with congenital tufting enteropathy (Salomon et al., 2011; Salomon et al., 2014). This variant destroys the canonical splice acceptor site in intron 4, and is expected to cause abnormal gene splicing. Based on currently available evidence, we consider c.492-2A>G to be pathogenic.

OMIM
Classification: Pathogenic for DIARRHEA 5, WITH TUFTING ENTEROPATHY, CONGENITAL. Last evaluated: 2013-07-01. Review status: no assertion criteria provided. Collection method: literature only. Allele origin: germline. Not counted in ClinVar's aggregate classification.

Literature cited by the submitters: PubMed 21315192 (cited by OMIM); PubMed 23462293 (cited by OMIM).